The following is an entry in ClinVar:

NM_000038.6(APC):c.6140T>G (p.Met2047Arg)

Gene: APC (APC regulator of Wnt signaling pathway; plus strand). Cytogenetic location: 5q22.2.
Variant type: single nucleotide variant.
Coding change: c.6140T>G on transcript NM_000038.6 (MANE Select); coding-DNA position 6140, T replaced by G.
Protein change: p.Met2047Arg; replaces methionine 2047 with arginine.
Molecular consequence: missense variant. On other transcripts: non-coding transcript variant (2).
Genome position (GRCh38, 1-based): chr5:112,841,734, T>G. VCF-style: chr5-112841734-T-G. GRCh37 (hg19) VCF-style: chr5-112177431-T-G.
Other names: c.5753T>G, p.Met1918Arg (NM_001407469.1, NM_001407467.1); c.5291T>G, p.Met1764Arg (NM_001407470.1, NM_001354906.2); c.4988T>G, p.Met1663Arg (NM_001407471.1, NM_001407472.1); c.6140T>G, p.Met2047Arg (NM_001127510.3, NM_001354895.2, NM_001407450.1); c.6086T>G, p.Met2029Arg (NM_001127511.3); c.6194T>G, p.Met2065Arg (NM_001354896.2, NM_001407447.1, NM_001407448.1 and 1 more transcripts); c.6170T>G, p.Met2057Arg (NM_001354897.2); c.6065T>G, p.Met2022Arg (NM_001354898.2); and 11 more; short protein forms M1946R, M2019R, M2022R, M1764R, M1956R, M1964R, M2040R, M2057R.
Identifiers: ClinVar variation 2705472 (VCV002705472.3), dbSNP rs1242251471, ClinGen allele CA16034773.

ClinVar aggregate classification (germline): Uncertain significance (1 of 4 stars; one submission).

Conditions:
Familial adenomatous polyposis 1 (FAP1). Also called: POLYPOSIS, ADENOMATOUS INTESTINAL; FAMILIAL ADENOMATOUS POLYPOSIS 1, ATTENUATED. Identifiers: MedGen C2713442, MONDO:0021056, OMIM 175100. Disease mechanism: loss of function.

Allele frequency attached by ClinVar (database versions not stated): gnomAD exomes below 0.00001.
gnomAD v4.1: 1 of 1,613,794 alleles (0.000062%); no homozygotes.

Submission:

Labcorp Genetics (formerly Invitae), Labcorp
Classification: Uncertain significance for Familial adenomatous polyposis 1. Last evaluated: 2024-09-12. Review status: criteria provided, single submitter. Criteria: Invitae Variant Classification Sherloc (09022015). Collection method: clinical testing. Allele origin: germline.
Comment: This sequence change replaces methionine, which is neutral and non-polar, with arginine, which is basic and polar, at codon 2047 of the APC protein (p.Met2047Arg). This variant is present in population databases (no rsID available, gnomAD 0.004%). This variant has not been reported in the literature in individuals affected with APC-related conditions. Invitae Evidence Modeling of protein sequence and biophysical properties (such as structural, functional, and spatial information, amino acid conservation, physicochemical variation, residue mobility, and thermodynamic stability) indicates that this missense variant is not expected to disrupt APC protein function with a negative predictive value of 95%. In summary, the available evidence is currently insufficient to determine the role of this variant in disease. Therefore, it has been classified as a Variant of Uncertain Significance.